The following is an entry in ClinVar:

NM_004357.5(CD151):c.231G>A (p.Leu77=)

Gene: CD151 (CD151 molecule (Raph blood group); plus strand). Cytogenetic location: 11p15.5.
Variant type: single nucleotide variant.
Coding change: c.231G>A on transcript NM_004357.5 (MANE Select); coding-DNA position 231, G replaced by A.
Protein change: p.Leu77=; no amino-acid change (leucine 77 retained).
Molecular consequence: synonymous variant.
Genome position (GRCh38, 1-based): chr11:836,397, G>A. VCF-style: chr11-836397-G-A. GRCh37 (hg19) VCF-style: chr11-836397-G-A.
Other names: c.231G>A, p.Leu77= (NM_001039490.2, NM_139029.2, NM_139030.4).
Identifiers: ClinVar variation 3898424 (VCV003898424.7).

ClinVar aggregate classification (germline): Likely benign (1 of 4 stars; one submission).

gnomAD v4.1: 1 of 1,611,882 alleles (0.000062%); highest among the groups gnomAD compares: Non-Finnish European, 0.000085%; no homozygotes.

Submission:

CeGaT Center for Human Genetics Tuebingen
Classification: Likely benign. Last evaluated: 2025-04-01. Review status: criteria provided, single submitter. Criteria: CeGaT Center For Human Genetics Tuebingen Variant Classification Criteria Version 2. Collection method: clinical testing. Allele origin: germline. Affected: yes. Observed: 1 variant allele.
Comment: CD151: BP4, BP7